The following is an entry in ClinVar:

NM_000368.5(TSC1):c.1809G>T (p.Pro603=)

Gene: TSC1 (TSC complex subunit 1; minus strand). Cytogenetic location: 9q34.13.
Variant type: single nucleotide variant.
Coding change: c.1809G>T on transcript NM_000368.5 (MANE Select); coding-DNA position 1809, G replaced by T.
Protein change: p.Pro603=; no amino-acid change (proline 603 retained).
Molecular consequence: synonymous variant.
Genome position (GRCh38, 1-based): chr9:132,905,769, C>A on the plus strand (G>T on the coding strand, the complement: TSC1 is on the minus strand). VCF-style: chr9-132905769-C-A. GRCh37 (hg19) VCF-style: chr9-135781156-C-A.
Other names: c.1806G>T, p.Pro602= (NM_001162426.2); c.1656G>T, p.Pro552= (NM_001162427.2); c.1446G>T, p.Pro482= (NM_001362177.2).
Identifiers: ClinVar variation 742665 (VCV000742665.20), dbSNP rs112434645, ClinGen allele CA200888362.

ClinVar aggregate classification (germline): Benign/Likely benign. Review status: criteria provided, multiple submitters, no conflicts (2 of 4 stars). 6 submissions from 6 submitters: Benign (2); Likely benign (4). Last evaluated 2025-12-15.

Conditions:
Lymphangiomyomatosis (LAM). Also called: Lymphangioleiomyomatosis; Lymphangioleiomyomatosis, somatic. Identifiers: Orphanet 538, MedGen C0751674, MONDO:0011705, OMIM 606690.
Isolated focal cortical dysplasia type II (FCORD2). Also called: CORTICAL DYSPLASIA OF TAYLOR; Focal cortical dysplasia type II. Identifiers: Orphanet 268994, MedGen C1846385, MONDO:0011818, OMIM 607341, HP:0032051.
Tuberous sclerosis 1 (TSC1). Identifiers: Orphanet 805, MedGen C1854465, MONDO:0008612, OMIM 191100.
Hereditary cancer-predisposing syndrome. Also called: Neoplastic Syndromes, Hereditary; Hereditary Cancer Syndrome; Tumor predisposition; Hereditary neoplastic syndrome. Identifiers: Orphanet 140162, MedGen C0027672, MeSH D009386, MONDO:0015356.

Allele frequency attached by ClinVar (database versions not stated): gnomAD 0.00002; TOPMed 0.00003.
gnomAD v4.1: 15 of 1,614,004 alleles (0.00093%); highest among the groups gnomAD compares: African/African-American, 0.013%; no homozygotes.

Submissions (6):

Labcorp Genetics (formerly Invitae), Labcorp
Classification: Likely benign for Tuberous sclerosis 1. Last evaluated: 2025-12-15. Review status: criteria provided, single submitter. Criteria: Invitae Variant Classification Sherloc (09022015). Collection method: clinical testing. Allele origin: germline.

Myriad Genetics, Inc.
Classification: Benign for Tuberous sclerosis 1. Last evaluated: 2025-04-10. Review status: criteria provided, single submitter. Criteria: Myriad Autosomal Dominant, Autosomal Recessive and X-Linked Classification Criteria (2023). Collection method: clinical testing. Allele origin: unknown.
Comment: This variant is considered benign. This variant is a silent/synonymous amino acid change and it is not expected to impact splicing.

Department of Pathology and Laboratory Medicine, Sinai Health System
Classification: Likely benign for Tuberous sclerosis 1; Lymphangiomyomatosis; Isolated focal cortical dysplasia type II. Last evaluated: 2023-05-01. Review status: criteria provided, single submitter. Criteria: ACMG Guidelines, 2015. Collection method: clinical testing. Allele origin: germline. Affected: yes.

Blueprint Genetics
Classification: Likely benign. Last evaluated: 2023-01-30. Review status: criteria provided, single submitter. Criteria: ACMG Guidelines, 2015. Collection method: clinical testing. Allele origin: germline.

Genome-Nilou Lab
Classification: Benign for Tuberous sclerosis 1. Last evaluated: 2021-11-07. Review status: criteria provided, single submitter. Criteria: ACMG Guidelines, 2015. Collection method: clinical testing. Allele origin: germline. Affected: no.

Ambry Genetics
Classification: Likely benign for Hereditary cancer-predisposing syndrome. Last evaluated: 2018-06-21. Review status: criteria provided, single submitter. Criteria: Ambry Variant Classification Scheme 2023. Collection method: clinical testing. Allele origin: germline.